The following is an entry in ClinVar:

ClinVar aggregate classification (germline): Pathogenic. Review status: reviewed by expert panel (3 of 4 stars). 3 submissions from 3 submitters: Pathogenic (1). 2 of the submissions do not count toward it. Last evaluated 2017-12-15.

Conditions:
Breast-ovarian cancer, familial, susceptibility to, 1 (BROVCA1). Also called: BRCA1 Hereditary Breast and Ovarian Cancer; OVARIAN CANCER, SUSCEPTIBILITY TO. Identifiers: Orphanet 145, MedGen C2676676, MONDO:0011450, OMIM 604370. Disease mechanism: loss of function.
Hereditary breast ovarian cancer syndrome. Also called: Hereditary breast and ovarian cancer; Hereditary breast and ovarian cancer syndrome; Hereditary breast and ovarian cancer syndrome (HBOC); Breast and ovarian cancer; BRCA1- and BRCA2-Associated Hereditary Breast and Ovarian Cancer; Hereditary breast and/or ovarian cancer syndrome. Identifiers: Orphanet 145, MedGen C0677776, MeSH D061325, MONDO:0003582. Disease mechanism: loss of function.

Submissions (3):

Evidence-based Network for the Interpretation of Germline Mutant Alleles (ENIGMA)
Classification: Pathogenic for Breast-ovarian cancer, familial, susceptibility to, 1. Last evaluated: 2017-12-15. Review status: reviewed by expert panel. Criteria: ENIGMA BRCA1/2 Classification Criteria (2017-06-29). Collection method: curation. Allele origin: germline. Study: ENIGMA.
Comment: Variant allele predicted to encode a truncated non-functional protein.

Quest Diagnostics Nichols Institute San Juan Capistrano
Classification: Pathogenic. Last evaluated: 2025-09-22. Review status: criteria provided, single submitter. Criteria: Quest Diagnostics criteria. Collection method: clinical testing. Allele origin: unknown. Not counted in ClinVar's aggregate classification.
Comment: The BRCA1 c.3758_3759del (p.Ser1253*) variant causes the premature termination of BRCA1 protein synthesis. This variant has been reported in the published literature in individuals with a personal and/or family history of breast and/or ovarian cancer (PMID: 34413315 (2021), 30103829 (2018), 23961350 (2012)). This variant has not been reported in large, multi-ethnic general populations (Genome Aggregation Database). Based on the available information, this variant is classified as pathogenic.

Labcorp Genetics (formerly Invitae), Labcorp
Classification: Pathogenic for Hereditary breast ovarian cancer syndrome. Last evaluated: 2024-11-21. Review status: criteria provided, single submitter. Criteria: Invitae Variant Classification Sherloc (09022015). Collection method: clinical testing. Allele origin: germline. Not counted in ClinVar's aggregate classification.
Comment: This sequence change creates a premature translational stop signal (p.Ser1253*) in the BRCA1 gene. It is expected to result in an absent or disrupted protein product. Loss-of-function variants in BRCA1 are known to be pathogenic (PMID: 20104584). This variant is not present in population databases (gnomAD no frequency). This premature translational stop signal has been observed in individual(s) with breast cancer and/or ovarian cancer (PMID: 23961350, 30103829, 30972954). ClinVar contains an entry for this variant (Variation ID: 548311). For these reasons, this variant has been classified as Pathogenic.

Literature cited by the submitters: PubMed 23961350 (cited by Quest Diagnostics Nichols Institute San Juan Capistrano and Labcorp Genetics (formerly Invitae), Labcorp); PubMed 30103829 (cited by Quest Diagnostics Nichols Institute San Juan Capistrano and Labcorp Genetics (formerly Invitae), Labcorp); PubMed 34413315 (cited by Quest Diagnostics Nichols Institute San Juan Capistrano); PubMed 20104584 (cited by Labcorp Genetics (formerly Invitae), Labcorp); PubMed 30972954 (cited by Labcorp Genetics (formerly Invitae), Labcorp).

NM_007294.4(BRCA1):c.3758_3759del (p.Leu1252_Ser1253insTer)

Genes: BRCA1 (BRCA1 DNA repair associated; minus strand), LOC126862571 (BRD4-independent group 4 enhancer GRCh37_chr17:41243136-41244335; plus strand). Cytogenetic location: 17q21.31.
Variant type: Deletion.
Coding change: c.3758_3759del on transcript NM_007294.4 (MANE Select); coding-DNA positions 3758 to 3759, 2 bases deleted (CT; older notation c.3758_3759delCT).
Protein change: p.Leu1252_Ser1253insTer.
Molecular consequence: nonsense. On other transcripts: frameshift variant (2), intron variant (135).
Genome position (GRCh38, 1-based): chr17:43,091,772-43,091,773, AG deleted on the plus strand (CT on the coding strand, the reverse complement: BRCA1 is on the minus strand); deleting any 2 consecutive bases within chr17:43,091,772-43,091,774 gives the same sequence; the c. name uses the placement nearest the transcript's 3' end. VCF-style (leftmost placement, unchanged base first): chr17-43091771-TAG-T. GRCh37 (hg19) VCF-style: chr17-41243788-TAG-T.
Other names: c.3758_3759delCT (NM_007294.3); c.3635_3636del, p.Leu1211_Ser1212insTer (NM_001407676.1, NM_001407677.1, NM_001407678.1 and 19 more transcripts); c.3758_3759del, p.Leu1252_Ser1253insTer (NM_001407684.1, NM_001407854.1, NM_001407858.1 and 30 more transcripts); c.3632_3633del, p.Leu1210_Ser1211insTer (NM_001407685.1, NM_001407686.1, NM_001407687.1 and 11 more transcripts); c.3617_3618del, p.Leu1205_Ser1206insTer (NM_001407692.1, NM_001407694.1, NM_001407695.1 and 29 more transcripts); c.3614_3615del, p.Leu1204_Ser1205insTer (NM_001407740.1, NM_001407741.1, NM_001407742.1 and 20 more transcripts); c.3545_3546del, p.Leu1181_Ser1182insTer (NM_001407853.1, NM_001407894.1, NM_001407895.1 and 9 more transcripts); c.3755_3756del, p.Leu1251_Ser1252insTer (NM_001407860.1, NM_001407861.1, NM_001407587.1 and 22 more transcripts); and 44 more.
Identifiers: ClinVar variation 548311 (VCV000548311.12), dbSNP rs1555587135, ClinGen allele CA658761215.
Genomic context (GRCh38, chr17:43,091,771, plus strand): 5'-CCTGGTTACTGCAGTCATTTAAGCTATTCTTCAATGATAATAAATTCTCCTCTGTGTTCT[TAG>T]ACAGACACTCGGTAGCAACGGTGCTATGCCTAGTAGACTGAGAAGGTATATTGTTTACTT-3'